The following is an entry in ClinVar:

NM_001271.4(CHD2):c.443+6T>A

Gene: CHD2 (chromodomain helicase DNA binding protein 2; plus strand). Cytogenetic location: 15q26.1.
Variant type: single nucleotide variant.
Coding change: c.443+6T>A on transcript NM_001271.4 (MANE Select); 6 bases into the intron after coding-DNA position 443, T replaced by A.
Molecular consequence: intron variant.
Genome position (GRCh38, 1-based): chr15:92,929,097, T>A. VCF-style: chr15-92929097-T-A. GRCh37 (hg19) VCF-style: chr15-93472327-T-A.
Other names: c.443+6T>A (NM_001042572.3).
Identifiers: ClinVar variation 3661309 (VCV003661309.2).

ClinVar aggregate classification (germline): Uncertain significance (1 of 4 stars; one submission).

Conditions:
Developmental and epileptic encephalopathy 94 (DEE94). Also called: CHD2-Related Neurodevelopmental Disorders; Epileptic encephalopathy, childhood-onset. Identifiers: Orphanet 1942, Orphanet 2382, MedGen C3809278, MONDO:0014150, OMIM 615369.

Submission:

Labcorp Genetics (formerly Invitae), Labcorp
Classification: Uncertain significance for Developmental and epileptic encephalopathy 94. Last evaluated: 2024-08-03. Review status: criteria provided, single submitter. Criteria: Invitae Variant Classification Sherloc (09022015). Collection method: clinical testing. Allele origin: germline.
Comment: This sequence change falls in intron 5 of the CHD2 gene. It does not directly change the encoded amino acid sequence of the CHD2 protein. It affects a nucleotide within the consensus splice site. This variant is not present in population databases (gnomAD no frequency). This variant has not been reported in the literature in individuals affected with CHD2-related conditions. Variants that disrupt the consensus splice site are a relatively common cause of aberrant splicing (PMID: 17576681, 9536098). Algorithms developed to predict the effect of sequence changes on RNA splicing suggest that this variant may disrupt the consensus splice site. In summary, the available evidence is currently insufficient to determine the role of this variant in disease. Therefore, it has been classified as a Variant of Uncertain Significance.

Literature cited by the submitters: PubMed 17576681; PubMed 9536098.